The following is an entry in ClinVar:

NM_000143.4(FH):c.925C>T (p.Pro309Ser)

Gene: FH (fumarate hydratase; minus strand). Cytogenetic location: 1q43.
Variant type: single nucleotide variant.
Coding change: c.925C>T on transcript NM_000143.4 (MANE Select); coding-DNA position 925, C replaced by T.
Protein change: p.Pro309Ser; replaces proline 309 with serine.
Molecular consequence: missense variant.
Genome position (GRCh38, 1-based): chr1:241,504,225, G>A on the plus strand (C>T on the coding strand, the complement: FH is on the minus strand). VCF-style: chr1-241504225-G-A. GRCh37 (hg19) VCF-style: chr1-241667525-G-A.
Other names: short protein forms P309S.
Identifiers: ClinVar variation 405930 (VCV000405930.19), dbSNP rs368849989, ClinGen allele CA1478571.

ClinVar aggregate classification (germline): Conflicting classifications of pathogenicity. Review status: criteria provided, conflicting classifications (1 of 4 stars). 4 submissions from 4 submitters: Uncertain significance (3); Likely benign (1). Last evaluated 2026-01-31.

Conditions:
Hereditary cancer-predisposing syndrome. Also called: Tumor predisposition; Neoplastic Syndromes, Hereditary; Hereditary Cancer Syndrome; Hereditary neoplastic syndrome. Identifiers: Orphanet 140162, MedGen C0027672, MeSH D009386, MONDO:0015356.
Fumarase deficiency (FMRD). Also called: Fumarate Hydratase Deficiency; Fumaric aciduria. Identifiers: Orphanet 24, MedGen C0342770, MONDO:0011730, OMIM 606812.

Allele frequency attached by ClinVar (database versions not stated): ExAC 0.00001; gnomAD 0.00001; gnomAD exomes 0.00001 and 0.00002; TOPMed 0.00001.
gnomAD v4.1: 21 of 1,614,096 alleles (0.0013%); highest among the groups gnomAD compares: East Asian, 0.0022%; no homozygotes.

Submissions (4):

Labcorp Genetics (formerly Invitae), Labcorp
Classification: Uncertain significance. Last evaluated: 2026-01-31. Review status: criteria provided, single submitter. Criteria: Invitae Variant Classification Sherloc (09022015). Collection method: clinical testing. Allele origin: germline.
Comment: This sequence change replaces proline, which is neutral and non-polar, with serine, which is neutral and polar, at codon 309 of the FH protein (p.Pro309Ser). This variant is present in population databases (rs368849989, gnomAD 0.006%). This missense change has been observed in individual(s) with renal cell cancer (PMID: 30548481). ClinVar contains an entry for this variant (Variation ID: 405930). Invitae Evidence Modeling of protein sequence and biophysical properties (such as structural, functional, and spatial information, amino acid conservation, physicochemical variation, residue mobility, and thermodynamic stability) has been performed for this missense variant. However, the output from this modeling did not meet the statistical confidence thresholds required to predict the impact of this variant on FH protein function. In summary, the available evidence is currently insufficient to determine the role of this variant in disease. Therefore, it has been classified as a Variant of Uncertain Significance.

GeneDx
Classification: Uncertain significance. Last evaluated: 2024-02-06. Review status: criteria provided, single submitter. Criteria: GeneDx Variant Classification Process June 2021. Collection method: clinical testing. Allele origin: germline. Affected: yes.
Comment: Not observed at significant frequency in large population cohorts (gnomAD); In silico analysis supports that this missense variant has a deleterious effect on protein structure/function; This variant is associated with the following publications: (PMID: Laurenzano[abstract], 30548481, 36773955)

Baylor Genetics
Classification: Uncertain significance for Fumarase deficiency. Last evaluated: 2024-01-22. Review status: criteria provided, single submitter. Criteria: ACMG Guidelines, 2015. Collection method: clinical testing. Allele origin: unknown.

Ambry Genetics
Classification: Likely benign for Hereditary cancer-predisposing syndrome. Last evaluated: 2019-11-12. Review status: criteria provided, single submitter. Criteria: Ambry Variant Classification Scheme 2023. Collection method: clinical testing. Allele origin: germline.

Literature cited by the submitters: PubMed 30548481 (cited by Labcorp Genetics (formerly Invitae), Labcorp and Ambry Genetics).